The following is an entry in ClinVar:

NM_015275.3(WASHC4):c.2054G>A (p.Arg685Gln)

Gene: WASHC4 (WASH complex subunit 4; plus strand). Cytogenetic location: 12q23.3.
Variant type: single nucleotide variant.
Coding change: c.2054G>A on transcript NM_015275.3 (MANE Select); coding-DNA position 2054, G replaced by A.
Protein change: p.Arg685Gln; replaces arginine 685 with glutamine.
Molecular consequence: missense variant.
Genome position (GRCh38, 1-based): chr12:105,144,330, G>A. VCF-style: chr12-105144330-G-A. GRCh37 (hg19) VCF-style: chr12-105538108-G-A.
Other names: c.2057G>A, p.Arg686Gln (NM_001293640.2); short protein forms R685Q, R686Q.
Identifiers: ClinVar variation 235553 (VCV000235553.3), dbSNP rs878853065, ClinGen allele CA10581354.

ClinVar aggregate classification (germline): Uncertain significance (1 of 4 stars; one submission).

Allele frequency attached by ClinVar (database versions not stated): gnomAD exomes below 0.00001; TOPMed below 0.00001.
gnomAD v4.1: 4 of 1,613,038 alleles (0.00025%); highest among the groups gnomAD compares: South Asian, 0.0011%; no homozygotes.

Submission:

Center for Pediatric Genomic Medicine, Children's Mercy Hospital and Clinics
Classification: Uncertain significance. Last evaluated: 2016-04-12. Review status: criteria provided, single submitter. Criteria: ACMG Guidelines, 2015. Collection method: clinical testing. Allele origin: germline.
ClinVar note: Converted during submission from Uncertain Significance to Uncertain significance.